The following is an entry in ClinVar:

NM_003073.5(SMARCB1):c.-184G>A

Gene: SMARCB1 (SWI/SNF related BAF chromatin remodeling complex subunit B1; plus strand). Cytogenetic location: 22q11.23.
Variant type: single nucleotide variant.
Coding change: c.-184G>A on transcript NM_003073.5 (MANE Select); 184 bases upstream of the start codon, G replaced by A.
Molecular consequence: 5 prime UTR variant.
Genome position (GRCh38, 1-based): chr22:23,786,986, G>A. VCF-style: chr22-23786986-G-A. GRCh37 (hg19) VCF-style: chr22-24129173-G-A.
Other names: c.-184G>A (NM_001007468.3, NM_001317946.2, NM_001362877.2).
Identifiers: ClinVar variation 900500 (VCV000900500.5), dbSNP rs563943196, ClinGen allele CA322592282.

ClinVar aggregate classification (germline): Benign/Likely benign. Review status: criteria provided, multiple submitters, no conflicts (2 of 4 stars). 3 submissions from 2 submitters: Benign (2); Likely benign (1). Last evaluated 2022-04-10.

Conditions:
SMARCB1-related schwannomatosis. Also called: Schwannomatosis 1; SWNTS1. Identifiers: Orphanet 93921, MedGen C4048809, MONDO:0024517, OMIM 162091. Disease mechanism: loss of function.
Rhabdoid tumor predisposition syndrome 1 (RTPS1). Also called: Familial Posterior Fossa Brain Tumor of Infancy. Identifiers: Orphanet 231108, Orphanet 69077, MedGen C1836327, MONDO:0012252, OMIM 609322.

Allele frequency attached by ClinVar (database versions not stated): TOPMed 0.00066; 1000 Genomes Project 0.00120; gnomAD exomes 0.00161; gnomAD 0.00163 and 0.00165; 1000 Genomes Project 30x 0.00172.
gnomAD v4.1: 810 of 499,386 alleles (0.16%); highest among the groups gnomAD compares: Admixed American, 0.18%; 11 homozygotes.

Submissions (3):

GeneDx
Classification: Likely benign. Last evaluated: 2022-04-10. Review status: criteria provided, single submitter. Criteria: GeneDx Variant Classification Process June 2021. Collection method: clinical testing. Allele origin: germline. Affected: yes.

Illumina Laboratory Services, Illumina
Classification: Benign for Rhabdoid tumor predisposition syndrome 1. Last evaluated: 2018-01-12. Review status: criteria provided, single submitter. Criteria: ICSL Variant Classification Criteria 13 December 2019. Collection method: clinical testing. Allele origin: germline.
Comment: This variant was observed in the ICSL laboratory as part of a predisposition screen in an ostensibly healthy population. It had not been previously curated by ICSL or reported in the Human Gene Mutation Database (HGMD: prior to June 1st, 2018), and was therefore a candidate for classification through an automated scoring system. Utilizing variant allele frequency, disease prevalence and penetrance estimates, and inheritance mode, an automated score was calculated to assess if this variant is too frequent to cause the disease. Based on the score and internal cut-off values, a variant classified as benign is not then subjected to further curation. The score for this variant resulted in a classification of benign for this disease.

Illumina Laboratory Services, Illumina
Classification: Benign for SMARCB1-related schwannomatosis. Last evaluated: 2018-01-12. Review status: criteria provided, single submitter. Criteria: ICSL Variant Classification Criteria 13 December 2019. Collection method: clinical testing. Allele origin: germline.
Comment: the same text as in the submission from Illumina Laboratory Services, Illumina above.